The following is an entry in ClinVar:

NM_000152.5(GAA):c.1352C>G (p.Pro451Arg)

Gene: GAA (alpha glucosidase; plus strand). Cytogenetic location: 17q25.3.
Variant type: single nucleotide variant.
Coding change: c.1352C>G on transcript NM_000152.5 (MANE Select); coding-DNA position 1352, C replaced by G.
Protein change: p.Pro451Arg; replaces proline 451 with arginine.
Molecular consequence: missense variant.
Genome position (GRCh38, 1-based): chr17:80,109,970, C>G. VCF-style: chr17-80109970-C-G. GRCh37 (hg19) VCF-style: chr17-78083769-C-G.
Other names: NM_000152.5(GAA):c.1352C>G; c.1352C>G (LRG_673t1, NM_000152.4); c.1352C>G, p.Pro451Arg (NM_001079803.3, NM_001079804.3); short protein forms P451R.
Identifiers: ClinVar variation 281330 (VCV000281330.33), dbSNP rs7215458, ClinGen allele CA8815294.

ClinVar aggregate classification (germline): Likely benign. Review status: reviewed by expert panel (3 of 4 stars). 12 submissions from 12 submitters: Likely benign (1). 11 of the submissions do not count toward it. Last evaluated 2025-05-20.

Conditions:
Cardiovascular phenotype. Identifiers: MedGen CN230736.
GAA-related disorder. Also called: GAA-related condition.
Glycogen storage disease, type II (IOPD). Also called: Glucosidase acid-1,4-alpha deficiency; Glycogen storage disease type 2; Acid maltase deficiency disease; Aglucosidase alfa; Deficiency of alpha-glucosidase; Deficiency of lysosomal alpha-glucosidase. Identifiers: Orphanet 365, MedGen C0017921, MONDO:0009290, OMIM 232300.

Allele frequency attached by ClinVar (database versions not stated): gnomAD exomes 0.00019 and 0.00038; ExAC 0.00043; gnomAD 0.00133 and 0.00140; TOPMed 0.00154; ESP Exome Variant Server 0.00177; 1000 Genomes Project 30x 0.00203; 1000 Genomes Project 0.00220.

Submissions (12):

ClinGen Lysosomal Storage Disorder Variant Curation Expert Panel
Classification: Likely benign for Glycogen storage disease, type II. Last evaluated: 2025-05-20. Review status: reviewed by expert panel. Criteria: clingen_lsd_acmg_specifications_v2-1. Collection method: curation. Allele origin: germline. Inheritance: Autosomal recessive inheritance.
Comment: The NM_000152.5:c.1352C>G variant in GAA is a missense variant predicted to result in the substitution of proline by arginine at amino acid 451 (p.Pro451Arg). The highest population minor allele frequency in gnomAD v4.1.0 is 0.004835 (363/75080) alleles, including 4 homozygotes) in the African/African-American population. This allele frequency meets the ClinGen LD VCEP threshold (>0.005) for BS1 (after rounding up). The variant was reported in a patient with limb-girdle muscle weakness but was not thought to be causative of the symptoms (PMID: 29149851). The variant was also reported in a patient with autism spectrum disorder but no reported diagnosis of Pompe disease (PMID: 37492102). The computational predictor REVEL gives a score of 0.449 which is below the threshold of 0.5, evidence that does not predict a damaging effect on GAA function, and SpliceAI predicts no impact on splicing (BP4). There is a ClinVar entry for this variant (Variation ID: 281330). In summary, this variant meets the criteria to be classified as likely benign for Pompe disease. ACMG/AMP criteria applied, as specified by the ClinGen Lysosomal Diseases VCEP (Specifications Version 2.0): BS1, BP4. (Classification approved by the ClinGen Lysosomal Diseases Variant Curation Expert panel on May 20, 2025)

Genomenon, Inc
Classification: Uncertain significance for Glycogen storage disease, type II. Last evaluated: 2026-07-01. Review status: criteria provided, single submitter. Criteria: Genomenon Sequence Variant Interpretation Standards - Updated. Collection method: curation. Allele origin: germline. Affected: no. Not counted in ClinVar's aggregate classification.
Comment: GAA p.Pro451Arg (c.1352C>G) is a missense variant that changes the amino acid at codon 451 from Proline to Arginine. This variant has been reported in the published literature (PMID:29149851;30281819). In silico models predict that this variant is not damaging. In conclusion, we classify GAA p.Pro451Arg (c.1352C>G) as a variant of uncertain significance.

Labcorp Genetics (formerly Invitae), Labcorp
Classification: Likely benign for Glycogen storage disease, type II. Last evaluated: 2026-02-01. Review status: criteria provided, single submitter. Criteria: Invitae Variant Classification Sherloc (09022015). Collection method: clinical testing. Allele origin: germline. Not counted in ClinVar's aggregate classification.

Mayo Clinic Laboratories, Mayo Clinic
Classification: Likely benign. Last evaluated: 2025-04-29. Review status: criteria provided, single submitter. Criteria: ACMG Guidelines, 2015. Collection method: clinical testing. Allele origin: germline. Observed: 3 variant alleles. Not counted in ClinVar's aggregate classification.
Comment: BS1, BP4

Blueprint Genetics
Classification: Likely benign. Last evaluated: 2024-11-26. Review status: criteria provided, single submitter. Criteria: ACMG Guidelines, 2015. Collection method: clinical testing. Allele origin: germline. Not counted in ClinVar's aggregate classification.

Ambry Genetics
Classification: Uncertain significance for Cardiovascular phenotype. Last evaluated: 2024-08-23. Review status: criteria provided, single submitter. Criteria: Ambry Variant Classification Scheme 2023. Collection method: clinical testing. Allele origin: germline. Not counted in ClinVar's aggregate classification.
Comment: The p.P451R variant (also known as c.1352C>G), located in coding exon 8 of the GAA gene, results from a C to G substitution at nucleotide position 1352. The proline at codon 451 is replaced by arginine, an amino acid with dissimilar properties. This alteration has been reported in a limb girdle muscular dystrophy cohort and an autism spectrum disorder cohort (Johnson K et al. Orphanet J Rare Dis, 2017 Nov;12:173; Tuncay IO et al. Cell Genom, 2023 Jul;3:100322). This amino acid position is well conserved in available vertebrate species. In addition, the in silico prediction for this alteration is inconclusive. Based on the available evidence, the clinical significance of this variant remains unclear.

ARUP Laboratories, Molecular Genetics and Genomics, ARUP Laboratories
Classification: Likely benign for Glycogen storage disease, type II. Last evaluated: 2023-01-03. Review status: criteria provided, single submitter. Criteria: ARUP Molecular Germline Variant Investigation Process 2024. Collection method: clinical testing. Allele origin: germline. Not counted in ClinVar's aggregate classification.

Fulgent Genetics
Classification: Likely benign for Glycogen storage disease, type II. Last evaluated: 2021-12-03. Review status: criteria provided, single submitter. Criteria: ACMG Guidelines, 2015. Collection method: clinical testing. Allele origin: unknown. Not counted in ClinVar's aggregate classification.

GeneDx
Classification: Likely benign. Last evaluated: 2021-02-23. Review status: criteria provided, single submitter. Criteria: GeneDx Variant Classification Process June 2021. Collection method: clinical testing. Allele origin: germline. Affected: yes. Not counted in ClinVar's aggregate classification.

Eurofins Ntd Llc (ga)
Classification: Likely benign. Last evaluated: 2016-01-13. Review status: criteria provided, single submitter. Criteria: EGL Classification Definitions 2015. Collection method: clinical testing. Allele origin: germline. Observed: 3 variant alleles, 3 heterozygotes. Not counted in ClinVar's aggregate classification.

Natera, Inc.
Classification: Likely benign for Glycogen storage disease type II. Last evaluated: 2021-02-26. Review status: no assertion criteria provided. Collection method: clinical testing. Allele origin: germline. Not counted in ClinVar's aggregate classification.

PreventionGenetics, part of Exact Sciences
Classification: Likely benign for GAA-related condition. Last evaluated: 2020-02-07. Review status: no assertion criteria provided. Collection method: clinical testing. Allele origin: germline. Not counted in ClinVar's aggregate classification.
Comment: This variant is classified as likely benign based on ACMG/AMP sequence variant interpretation guidelines (Richards et al. 2015 PMID: 25741868, with internal and published modifications).

Literature cited by the submitters: PubMed 29149851 (cited by Genomenon, Inc and Ambry Genetics); PubMed 30281819 (cited by Genomenon, Inc); PubMed 32746448 (cited by Mayo Clinic Laboratories, Mayo Clinic); PubMed 37492102 (cited by Ambry Genetics).